The following is an entry in ClinVar:

ClinVar aggregate classification (germline): Uncertain significance (1 of 4 stars; one submission).

Conditions:
Bardet-Biedl syndrome (BBS). Identifiers: Orphanet 110, MedGen C0752166, MONDO:0015229.

Submission:

Labcorp Genetics (formerly Invitae), Labcorp
Classification: Uncertain significance for Bardet-Biedl syndrome. Last evaluated: 2024-12-10. Review status: criteria provided, single submitter. Criteria: Invitae Variant Classification Sherloc (09022015). Collection method: clinical testing. Allele origin: germline.
Comment: This sequence change affects codon 239 of the BBS2 mRNA. It is a 'silent' change, meaning that it does not change the encoded amino acid sequence of the BBS2 protein. It affects a nucleotide within the consensus splice site. This variant is not present in population databases (gnomAD no frequency). This variant has not been reported in the literature in individuals affected with BBS2-related conditions. Algorithms developed to predict the effect of sequence changes on RNA splicing suggest that this variant is not likely to affect RNA splicing. In summary, the available evidence is currently insufficient to determine the role of this variant in disease. Therefore, it has been classified as a Variant of Uncertain Significance.

NM_031885.5(BBS2):c.717A>G (p.Lys239=)

Gene: BBS2 (Bardet-Biedl syndrome 2; minus strand). Cytogenetic location: 16q13.
Variant type: single nucleotide variant.
Coding change: c.717A>G on transcript NM_031885.5 (MANE Select); coding-DNA position 717, A replaced by G.
Protein change: p.Lys239=; no amino-acid change (lysine 239 retained).
Molecular consequence: synonymous variant. On other transcripts: non-coding transcript variant (5).
Genome position (GRCh38, 1-based): chr16:56,506,120, T>C on the plus strand (A>G on the coding strand, the complement: BBS2 is on the minus strand). VCF-style: chr16-56506120-T-C. GRCh37 (hg19) VCF-style: chr16-56540032-T-C.
Other names: c.717A>G, p.Lys239= (NM_001377456.1).
Identifiers: ClinVar variation 3726959 (VCV003726959.2).